The following is an entry in ClinVar:

NM_000369.5(TSHR):c.1937C>G (p.Ser646Ter)

Genes: TSHR (thyroid stimulating hormone receptor; plus strand), TSHR-AS1 (TSHR antisense RNA 1; minus strand). Cytogenetic location: 14q31.1.
Variant type: single nucleotide variant.
Coding change: c.1937C>G on transcript NM_000369.5 (MANE Select); coding-DNA position 1937, C replaced by G.
Protein change: p.Ser646Ter; replaces serine 646 with a stop codon.
Molecular consequence: nonsense.
Genome position (GRCh38, 1-based): chr14:81,143,995, C>G. VCF-style: chr14-81143995-C-G. GRCh37 (hg19) VCF-style: chr14-81610339-C-G.
Other names: short protein forms S646*.
Identifiers: ClinVar variation 2829696 (VCV002829696.3), dbSNP rs2503949772, ClinGen allele CA390728945.

ClinVar aggregate classification (germline): Pathogenic (1 of 4 stars; one submission).

Submission:

Labcorp Genetics (formerly Invitae), Labcorp
Classification: Pathogenic. Last evaluated: 2023-04-30. Review status: criteria provided, single submitter. Criteria: Invitae Variant Classification Sherloc (09022015). Collection method: clinical testing. Allele origin: germline.
Comment: For these reasons, this variant has been classified as Pathogenic. This variant disrupts a region of the TSHR protein in which other variant(s) (p.Val711Phefs*18) have been determined to be pathogenic (PMID: 33108452). This suggests that this is a clinically significant region of the protein, and that variants that disrupt it are likely to be disease-causing. This variant has not been reported in the literature in individuals affected with TSHR-related conditions. This variant is not present in population databases (gnomAD no frequency). This sequence change creates a premature translational stop signal (p.Ser646*) in the TSHR gene. While this is not anticipated to result in nonsense mediated decay, it is expected to disrupt the last 119 amino acid(s) of the TSHR protein.

Literature cited by the submitters: PubMed 33108452.